The following is an entry in ClinVar:

ClinVar aggregate classification (germline): Likely benign (1 of 4 stars; one submission).

Submission:

CeGaT Center for Human Genetics Tuebingen
Classification: Likely benign. Last evaluated: 2025-08-01. Review status: criteria provided, single submitter. Criteria: CeGaT Center For Human Genetics Tuebingen Variant Classification Criteria Version 2. Collection method: clinical testing. Allele origin: germline. Affected: yes. Observed: 1 variant allele.
Comment: SLC39A14: PM2:Supporting, BP4, BP7

NM_001128431.4(SLC39A14):c.267C>T (p.Ser89=)

Gene: SLC39A14 (solute carrier family 39 member 14; plus strand). Cytogenetic location: 8p21.3.
Variant type: single nucleotide variant.
Coding change: c.267C>T on transcript NM_001128431.4 (MANE Select); coding-DNA position 267, C replaced by T.
Protein change: p.Ser89=; no amino-acid change (serine 89 retained).
Molecular consequence: synonymous variant.
Genome position (GRCh38, 1-based): chr8:22,404,977, C>T. VCF-style: chr8-22404977-C-T. GRCh37 (hg19) VCF-style: chr8-22262490-C-T.
Other names: c.267C>T, p.Ser89= (NM_001135154.3, NM_001351655.2, NM_001351656.2 and 3 more transcripts); c.297C>T, p.Ser99= (NM_001351657.2, NM_001351658.2, NM_001351659.2).
Identifiers: ClinVar variation 4085856 (VCV004085856.8).